The following is an entry in ClinVar:

NM_001167.4(XIAP):c.108del (p.Pro37fs)

Gene: XIAP (X-linked inhibitor of apoptosis; plus strand). Cytogenetic location: Xq25.
Variant type: Deletion.
Coding change: c.108del on transcript NM_001167.4 (MANE Select); coding-DNA position 108, one base deleted (T; older notation c.108delT).
Protein change: p.Pro37fs; shifts the reading frame from proline 37.
Molecular consequence: frameshift variant.
Genome position (GRCh38, 1-based): chrX:123,885,770, T deleted; the last of 4 consecutive T bases (chrX:123,885,767-123,885,770); deleting any one gives the same sequence. VCF-style (leftmost placement, unchanged base first): chrX-123885766-AT-A. GRCh37 (hg19) VCF-style: chrX-123019616-AT-A.
Other names: c.108delT (NM_001167.3); c.108del, p.Pro37fs (NM_001204401.2, NM_001378590.1, NM_001378591.1 and 1 more transcripts); short protein forms P37fs.
Identifiers: ClinVar variation 503904 (VCV000503904.7), dbSNP rs1556404455, ClinGen allele CA658799861.
Genomic context (GRCh38, chrX:123,885,766, plus strand): 5'-CAGACATCAATAAGGAAGAAGAATTTGTAGAAGAGTTTAATAGATTAAAAACTTTTGCTA[AT>A]TTTCCAAGTGGTAGTCCTGTTTCAGCATCAACACTGGCACGAGCAGGGTTTCTTTATACT-3'

ClinVar aggregate classification (germline): Pathogenic. Review status: criteria provided, multiple submitters, no conflicts (2 of 4 stars). 2 submissions from 2 submitters: Pathogenic (2). Last evaluated 2024-02-08.

Conditions:
X-linked lymphoproliferative disease due to XIAP deficiency. Also called: XIAP-Related Lymphoproliferative Disease, X-Linked; XIAP DEFICIENCY. Identifiers: Orphanet 2442, Orphanet 538934, MedGen C1845076, MONDO:0010385, OMIM 300635.

Submissions (2):

Labcorp Genetics (formerly Invitae), Labcorp
Classification: Pathogenic for X-linked lymphoproliferative disease due to XIAP deficiency. Last evaluated: 2024-02-08. Review status: criteria provided, single submitter. Criteria: Invitae Variant Classification Sherloc (09022015). Collection method: clinical testing. Allele origin: germline.
Comment: This sequence change creates a premature translational stop signal (p.Pro37Glnfs*34) in the XIAP gene. It is expected to result in an absent or disrupted protein product. Loss-of-function variants in XIAP are known to be pathogenic (PMID: 17080092, 21119115, 25666262). This variant is not present in population databases (gnomAD no frequency). This variant has not been reported in the literature in individuals affected with XIAP-related conditions. ClinVar contains an entry for this variant (Variation ID: 503904). For these reasons, this variant has been classified as Pathogenic.

GeneDx
Classification: Pathogenic. Last evaluated: 2017-12-07. Review status: criteria provided, single submitter. Criteria: GeneDx Variant Classification (06012015). Collection method: clinical testing. Allele origin: germline. Affected: yes.
Comment: The c.108delT variant in the XIAP gene has not been reported previously as a pathogenic variant nor as a benign variant, to our knowledge. The c.108delT variant causes a frameshift starting with codon Proline 37, changes this amino acid to a Glutamine residue, and creates a premature Stop codon at position 34 of the new reading frame, denoted p.P37QfsX34. This variant is predicted to cause loss of normal protein function either through protein truncation or nonsense-mediated mRNA decay. The c.108delT variant is not observed in large population cohorts (Lek et al., 2016). We interpret c.108delT as a pathogenic variant.

Literature cited by the submitters: PubMed 17080092 (cited by Labcorp Genetics (formerly Invitae), Labcorp); PubMed 21119115 (cited by Labcorp Genetics (formerly Invitae), Labcorp); PubMed 25666262 (cited by Labcorp Genetics (formerly Invitae), Labcorp).